The following is an entry in ClinVar:

NM_000038.6(APC):c.549_550insCT (p.Met184fs)

Gene: APC (APC regulator of Wnt signaling pathway; plus strand). Cytogenetic location: 5q22.2.
Variant type: Insertion.
Coding change: c.549_550insCT on transcript NM_000038.6 (MANE Select); coding-DNA positions 549 to 550, CT inserted.
Protein change: p.Met184fs; shifts the reading frame from methionine 184.
Molecular consequence: frameshift variant. On other transcripts: 5 prime UTR variant (4), non-coding transcript variant (2).
Genome position: GRCh38 VCF-style: chr5-112780806-A-ATC. GRCh37 (hg19) VCF-style: chr5-112116503-A-ATC.
Other names: c.549_550insCT, p.Met184fs (NM_001127510.3, NM_001354895.2, NM_001354896.2 and 16 more transcripts); c.579_580insCT, p.Met194fs (NM_001127511.3, NM_001354897.2, NM_001354902.2 and 1 more transcripts); c.474_475insCT, p.Met159fs (NM_001354898.2, NM_001354904.2, NM_001407451.1); c.372_373insCT, p.Met125fs (NM_001354900.2, NM_001354901.2, NM_001354905.2 and 1 more transcripts); c.-487_-486insCT (NM_001354906.2, NM_001407470.1, NM_001407471.1 and 1 more transcripts); short protein forms M125fs, M159fs, M184fs, M194fs.
Identifiers: ClinVar variation 2584309 (VCV002584309.2), dbSNP rs2532485481, ClinGen allele CA2582341596.

ClinVar aggregate classification (germline): Pathogenic (1 of 4 stars; one submission).

Conditions:
Familial adenomatous polyposis 1 (FAP1). Also called: FAMILIAL ADENOMATOUS POLYPOSIS 1, ATTENUATED; POLYPOSIS, ADENOMATOUS INTESTINAL. Identifiers: MedGen C2713442, MONDO:0021056, OMIM 175100. Disease mechanism: loss of function.

Submission:

Myriad Genetics, Inc.
Classification: Pathogenic for Familial adenomatous polyposis 1. Last evaluated: 2023-04-26. Review status: criteria provided, single submitter. Criteria: Myriad Autosomal Dominant, Autosomal Recessive and X-Linked Classification Criteria (2023). Collection method: clinical testing. Allele origin: unknown.
Comment: This variant is considered pathogenic. This variant creates a frameshift predicted to result in premature protein truncation.